The following is an entry in ClinVar:

NM_000435.3(NOTCH3):c.3634G>A (p.Gly1212Ser)

Gene: NOTCH3 (notch receptor 3; minus strand). Cytogenetic location: 19p13.12.
Variant type: single nucleotide variant.
Coding change: c.3634G>A on transcript NM_000435.3 (MANE Select); coding-DNA position 3634, G replaced by A.
Protein change: p.Gly1212Ser; replaces glycine 1212 with serine.
Molecular consequence: missense variant.
Genome position (GRCh38, 1-based): chr19:15,179,109, C>T on the plus strand (G>A on the coding strand, the complement: NOTCH3 is on the minus strand). VCF-style: chr19-15179109-C-T. GRCh37 (hg19) VCF-style: chr19-15289920-C-T.
Other names: short protein forms G1212S.
Identifiers: ClinVar variation 4527661 (VCV004527661.1).

ClinVar aggregate classification (germline): Uncertain significance (1 of 4 stars; one submission).

gnomAD v4.1: 2 of 1,614,212 alleles (0.00012%); highest among the groups gnomAD compares: Non-Finnish European, 0.00017%; no homozygotes.

Submission:

GeneDx
Classification: Uncertain significance. Last evaluated: 2025-04-26. Review status: criteria provided, single submitter. Criteria: GeneDx Variant Classification Process June 2021. Collection method: clinical testing. Allele origin: germline. Affected: yes.
Comment: Not observed at significant frequency in large population cohorts (gnomAD); In silico analysis indicates that this missense variant does not alter protein structure/function; Has not been previously published as pathogenic or benign to our knowledge